The following is an entry in ClinVar:

ClinVar aggregate classification (germline): Pathogenic (1 of 4 stars; one submission).

Conditions:
Ehlers-Danlos syndrome, classic type, 1 (EDSCL1). Also called: EHLERS-DANLOS SYNDROME, GRAVIS TYPE; EHLERS-DANLOS SYNDROME, SEVERE CLASSIC TYPE; Ehlers-Danlos syndrome, type 1; Ehlers-Danlos Syndrome, Classic Type, COL5A1-Related; EDS I. Identifiers: MedGen C0268335, MONDO:0019567, OMIM 130000.
Osteogenesis imperfecta type I (OI1). Also called: OI, TYPE I; OSTEOGENESIS IMPERFECTA TARDA; OSTEOGENESIS IMPERFECTA WITH BLUE SCLERAE; Osteogenesis imperfecta type 1; Lobstein's Disease; Lobstein disease. Identifiers: Orphanet 216796, Orphanet 666, MedGen C0023931, MONDO:0008146, OMIM 166200. Disease mechanism: loss of function.

Submission:

Labcorp Genetics (formerly Invitae), Labcorp
Classification: Pathogenic for Osteogenesis imperfecta type I; Ehlers-Danlos syndrome, classic type, 1. Last evaluated: 2025-08-16. Review status: criteria provided, single submitter. Criteria: Invitae Variant Classification Sherloc (09022015). Collection method: clinical testing. Allele origin: germline.
Comment: This sequence change replaces glycine, which is neutral and non-polar, with serine, which is neutral and polar, at codon 787 of the COL1A2 protein (p.Gly787Ser). This variant is not present in population databases (gnomAD no frequency). This variant has not been reported in the literature in individuals affected with COL1A2-related conditions. Invitae Evidence Modeling of protein sequence and biophysical properties (such as structural, functional, and spatial information, amino acid conservation, physicochemical variation, residue mobility, and thermodynamic stability) indicates that this missense variant is expected to disrupt COL1A2 protein function with a positive predictive value of 95%. Algorithms developed to predict the effect of sequence changes on RNA splicing suggest that this variant may disrupt the consensus splice site. This variant disrupts the triple helix domain of COL1A2. Glycine residues within the Gly-Xaa-Yaa repeats of the triple helix domain are required for the structure and stability of fibrillar collagens (PMID: 7695699, 8218237, 19344236). In COL1A2, variants affecting these glycine residues are significantly enriched in individuals with disease (PMID: 9016532, 17078022) compared to the general population (ExAC). This variant disrupts the p.Gly787 amino acid residue in COL1A2. Other variant(s) that disrupt this residue have been observed in individuals with COL1A2-related conditions (PMID: 10627137, 21239989; internal data), which suggests that this may be a clinically significant amino acid residue. For these reasons, this variant has been classified as Pathogenic.

Literature cited by the submitters: PubMed 7695699; PubMed 8218237; PubMed 19344236; PubMed 9016532; PubMed 17078022; PubMed 10627137; PubMed 21239989.

NM_000089.4(COL1A2):c.2359G>A (p.Gly787Ser)

Gene: COL1A2 (collagen type I alpha 2 chain; plus strand). Cytogenetic location: 7q21.3.
Variant type: single nucleotide variant.
Coding change: c.2359G>A on transcript NM_000089.4 (MANE Select); coding-DNA position 2359, G replaced by A.
Protein change: p.Gly787Ser; replaces glycine 787 with serine.
Molecular consequence: missense variant.
Genome position (GRCh38, 1-based): chr7:94,421,908, G>A. VCF-style: chr7-94421908-G-A. GRCh37 (hg19) VCF-style: chr7-94051220-G-A.
Other names: short protein forms G787S.
Identifiers: ClinVar variation 4789909 (VCV004789909.1).